The following is an entry in ClinVar:

NM_016204.4(GDF2):c.728G>A (p.Ser243Asn)

Gene: GDF2 (growth differentiation factor 2; plus strand). Cytogenetic location: 10q11.22.
Variant type: single nucleotide variant.
Coding change: c.728G>A on transcript NM_016204.4 (MANE Select); coding-DNA position 728, G replaced by A.
Protein change: p.Ser243Asn; replaces serine 243 with asparagine.
Molecular consequence: missense variant.
Genome position (GRCh38, 1-based): chr10:47,325,222, G>A. VCF-style: chr10-47325222-G-A. GRCh37 (hg19) VCF-style: chr10-48414140-C-T.
Other names: short protein forms S243N.
Identifiers: ClinVar variation 3711821 (VCV003711821.2).

ClinVar aggregate classification (germline): Uncertain significance (1 of 4 stars; one submission).

Conditions:
Telangiectasia, hereditary hemorrhagic, type 5 (HHT5). Identifiers: Orphanet 774, MedGen C3809710, MONDO:0014217, OMIM 615506.

Submission:

Labcorp Genetics (formerly Invitae), Labcorp
Classification: Uncertain significance for Telangiectasia, hereditary hemorrhagic, type 5. Last evaluated: 2024-09-10. Review status: criteria provided, single submitter. Criteria: Invitae Variant Classification Sherloc (09022015). Collection method: clinical testing. Allele origin: germline.
Comment: This sequence change replaces serine, which is neutral and polar, with asparagine, which is neutral and polar, at codon 243 of the GDF2 protein (p.Ser243Asn). This variant is present in population databases (rs373157226, gnomAD 0.0009%). This variant has not been reported in the literature in individuals affected with GDF2-related conditions. An algorithm developed to predict the effect of missense changes on protein structure and function outputs the following: PolyPhen-2: "Benign". The asparagine amino acid residue is found in multiple mammalian species, which suggests that this missense change does not adversely affect protein function. In summary, the available evidence is currently insufficient to determine the role of this variant in disease. Therefore, it has been classified as a Variant of Uncertain Significance.